The following is an entry in ClinVar:

NM_000179.3(MSH6):c.3394G>A (p.Val1132Ile)

Gene: MSH6 (mutS homolog 6; plus strand). Cytogenetic location: 2p16.3.
Variant type: single nucleotide variant.
Coding change: c.3394G>A on transcript NM_000179.3 (MANE Select); coding-DNA position 3394, G replaced by A.
Protein change: p.Val1132Ile; replaces valine 1132 with isoleucine.
Molecular consequence: missense variant.
Genome position (GRCh38, 1-based): chr2:47,803,641, G>A. VCF-style: chr2-47803641-G-A. GRCh37 (hg19) VCF-style: chr2-48030780-G-A.
Other names: c.3394G>A (NM_000179.2); c.3004G>A, p.Val1002Ile (NM_001281492.2); c.2488G>A, p.Val830Ile (NM_001281493.2, NM_001281494.2); short protein forms V1002I, V1132I, V830I.
Identifiers: ClinVar variation 1055444 (VCV001055444.14), dbSNP rs781676597, ClinGen allele CA346758856.

ClinVar aggregate classification (germline): Uncertain significance. Review status: criteria provided, multiple submitters, no conflicts (2 of 4 stars). 4 submissions from 4 submitters: Uncertain significance (4). Last evaluated 2024-09-23.

Conditions:
Hereditary nonpolyposis colorectal neoplasms. Identifiers: MedGen C0009405, MeSH D003123.
MSH6-related disorder. Also called: MSH6-related condition; MSH6-Related disorders.
Hereditary cancer-predisposing syndrome. Also called: Hereditary Cancer Syndrome; Tumor predisposition; Hereditary neoplastic syndrome; Neoplastic Syndromes, Hereditary. Identifiers: Orphanet 140162, MedGen C0027672, MeSH D009386, MONDO:0015356.

gnomAD v4.1: 2 of 1,614,190 alleles (0.00012%); highest among the groups gnomAD compares: Non-Finnish European, 0.00017%; no homozygotes.

Submissions (4):

Labcorp Genetics (formerly Invitae), Labcorp
Classification: Uncertain significance for Hereditary nonpolyposis colorectal neoplasms. Last evaluated: 2024-09-23. Review status: criteria provided, single submitter. Criteria: Invitae Variant Classification Sherloc (09022015). Collection method: clinical testing. Allele origin: germline.
Comment: This sequence change replaces valine, which is neutral and non-polar, with isoleucine, which is neutral and non-polar, at codon 1132 of the MSH6 protein (p.Val1132Ile). This variant is not present in population databases (gnomAD no frequency). This variant has not been reported in the literature in individuals affected with MSH6-related conditions. ClinVar contains an entry for this variant (Variation ID: 1055444). Invitae Evidence Modeling of protein sequence and biophysical properties (such as structural, functional, and spatial information, amino acid conservation, physicochemical variation, residue mobility, and thermodynamic stability) indicates that this missense variant is not expected to disrupt MSH6 protein function with a negative predictive value of 95%. In summary, the available evidence is currently insufficient to determine the role of this variant in disease. Therefore, it has been classified as a Variant of Uncertain Significance.

GeneDx
Classification: Uncertain significance. Last evaluated: 2024-01-26. Review status: criteria provided, single submitter. Criteria: GeneDx Variant Classification Process June 2021. Collection method: clinical testing. Allele origin: germline. Affected: yes.
Comment: Not observed at significant frequency in large population cohorts (gnomAD); In silico analysis supports that this missense variant does not alter protein structure/function; Has not been previously published as pathogenic or benign to our knowledge; This variant is associated with the following publications: (PMID: 17531815, 21120944, 12019211)

PreventionGenetics, part of Exact Sciences
Classification: Uncertain significance for MSH6-related condition. Last evaluated: 2023-08-24. Review status: criteria provided, single submitter. Criteria: ACMG Guidelines, 2015. Collection method: clinical testing. Allele origin: germline.
Comment: The MSH6 c.3394G>A variant is predicted to result in the amino acid substitution p.Val1132Ile. To our knowledge, this variant has not been reported in the literature or in a large population database, indicating this variant is rare. This variant is reported as a variant of uncertain significance in ClinVar. At this time, the clinical significance of this variant is uncertain due to the absence of conclusive functional and genetic evidence.

Ambry Genetics
Classification: Uncertain significance for Hereditary cancer-predisposing syndrome. Last evaluated: 2023-01-31. Review status: criteria provided, single submitter. Criteria: Ambry Variant Classification Scheme 2023. Collection method: clinical testing. Allele origin: germline.
Comment: The p.V1132I variant (also known as c.3394G>A), located in coding exon 5 of the MSH6 gene, results from a G to A substitution at nucleotide position 3394. The valine at codon 1132 is replaced by isoleucine, an amino acid with highly similar properties. This amino acid position is highly conserved in available vertebrate species. In addition, the in silico prediction for this alteration is inconclusive. Since supporting evidence is limited at this time, the clinical significance of this alteration remains unclear.